The following is an entry in ClinVar:

ClinVar aggregate classification (germline): Uncertain significance. Review status: criteria provided, multiple submitters, no conflicts (2 of 4 stars). 2 submissions from 2 submitters: Uncertain significance (2). Last evaluated 2024-06-21.

Conditions:
Vitamin D hydroxylation-deficient rickets, type 1B. Also called: Rickets due to Defect in Vitamin D 25-hydroxylation; PSEUDOVITAMIN D3 DEFICIENCY RICKETS DUE TO 25-HYDROXYLASE DEFICIENCY; VITAMIN D-DEPENDENT RICKETS, TYPE 1B. Identifiers: Orphanet 289157, MedGen C1838657, MONDO:0010810, OMIM 600081.

Allele frequency attached by ClinVar (database versions not stated): gnomAD exomes below 0.00001; TOPMed 0.00001; gnomAD 0.00001.
gnomAD v4.1: 7 of 1,612,978 alleles (0.00043%); highest among the groups gnomAD compares: Non-Finnish European, 0.00051%; no homozygotes.

Submissions (2):

Fulgent Genetics
Classification: Uncertain significance for Vitamin D hydroxylation-deficient rickets, type 1B. Last evaluated: 2024-06-21. Review status: criteria provided, single submitter. Criteria: ACMG Guidelines, 2015. Collection method: clinical testing. Allele origin: germline.

Labcorp Genetics (formerly Invitae), Labcorp
Classification: Uncertain significance. Last evaluated: 2024-06-10. Review status: criteria provided, single submitter. Criteria: Invitae Variant Classification Sherloc (09022015). Collection method: clinical testing. Allele origin: germline.
Comment: This sequence change creates a premature translational stop signal (p.Arg500*) in the CYP2R1 gene. While this is not anticipated to result in nonsense mediated decay, it is expected to disrupt the last 2 amino acid(s) of the CYP2R1 protein. This variant is present in population databases (no rsID available, gnomAD 0.002%). This variant has not been reported in the literature in individuals affected with CYP2R1-related conditions. ClinVar contains an entry for this variant (Variation ID: 2016123). Experimental studies and prediction algorithms are not available or were not evaluated, and the functional significance of this variant is currently unknown. In summary, the available evidence is currently insufficient to determine the role of this variant in disease. Therefore, it has been classified as a Variant of Uncertain Significance.

NM_024514.5(CYP2R1):c.1498A>T (p.Arg500Ter)

Genes: CYP2R1 (cytochrome P450 family 2 subfamily R member 1; minus strand), PDE3B (phosphodiesterase 3B; plus strand). Cytogenetic location: 11p15.2.
Variant type: single nucleotide variant.
Coding change: c.1498A>T on transcript NM_024514.5 (MANE Select); coding-DNA position 1498, A replaced by T.
Protein change: p.Arg500Ter; replaces arginine 500 with a stop codon.
Molecular consequence: nonsense. On other transcripts: non-coding transcript variant (12).
Genome position (GRCh38, 1-based): chr11:14,878,130, T>A on the plus strand (A>T on the coding strand, the complement: CYP2R1 is on the minus strand). VCF-style: chr11-14878130-T-A. GRCh37 (hg19) VCF-style: chr11-14899676-T-A.
Other names: c.1153A>T, p.Arg385Ter (NM_001377214.1, NM_001377215.1, NM_001377216.1 and 5 more transcripts); c.1336A>T, p.Arg446Ter (NM_001377217.1); c.799A>T, p.Arg267Ter (NM_001400562.1, NM_001400563.1, NM_001400564.1 and 1 more transcripts); c.520A>T, p.Arg174Ter (NM_001400566.1); c.1354A>T, p.Arg452Ter (NM_001400567.1); c.1453A>T, p.Arg485Ter (NM_001400568.1); short protein forms R452*, R267*, R446*, R485*, R500*, R174*, R385*.
Identifiers: ClinVar variation 2016123 (VCV002016123.4), dbSNP rs1242730043, ClinGen allele CA379744252.
Genomic context (GRCh38, chr11:14,878,130, plus strand): 5'-TCAGGGATAAGGCAAATATACATTCTTGTTCCCGAAAACATCCCAGGCAGTTTCAGCGTC[T>A]TTCAGCACAGATGAGGTAGGGTTGGGGCTGCAATGTCATGCCTAACCTGGGCTTCAGATC-3'